The following is an entry in ClinVar:

NM_024741.3(ZNF408):c.921del (p.Lys308fs)

Gene: ZNF408 (zinc finger protein 408; plus strand). Cytogenetic location: 11p11.2.
Variant type: Deletion.
Coding change: c.921del on transcript NM_024741.3 (MANE Select); coding-DNA position 921, one base deleted (G; older notation c.921delG).
Protein change: p.Lys308fs; shifts the reading frame from lysine 308.
Molecular consequence: frameshift variant.
Genome position (GRCh38, 1-based): chr11:46,704,621, G deleted. VCF-style (leftmost placement, unchanged base first): chr11-46704620-AG-A. GRCh37 (hg19) VCF-style: chr11-46726170-AG-A.
Other names: c.897del, p.Lys300fs (NM_001184751.2); short protein forms K300fs, K308fs.
Identifiers: ClinVar variation 2981561 (VCV002981561.3), dbSNP rs760736872, ClinGen allele CA5966453.

ClinVar aggregate classification (germline): Uncertain significance (1 of 4 stars; one submission).

Allele frequency attached by ClinVar (database versions not stated): TOPMed below 0.00001; ExAC 0.00001; gnomAD exomes 0.00001.

Submission:

Labcorp Genetics (formerly Invitae), Labcorp
Classification: Uncertain significance. Last evaluated: 2022-12-03. Review status: criteria provided, single submitter. Criteria: Invitae Variant Classification Sherloc (09022015). Collection method: clinical testing. Allele origin: germline.
Comment: In summary, the available evidence is currently insufficient to determine the role of this variant in disease. Therefore, it has been classified as a Variant of Uncertain Significance. This variant has not been reported in the literature in individuals affected with ZNF408-related conditions. This variant is present in population databases (rs760736872, gnomAD 0.0009%). This sequence change creates a premature translational stop signal (p.Lys308Serfs*61) in the ZNF408 gene. While this is not anticipated to result in nonsense mediated decay, it is expected to disrupt the last 413 amino acid(s) of the ZNF408 protein.